The following is an entry in ClinVar:

NM_001267727.2(ARSG):c.452G>A (p.Arg151His)

Gene: ARSG (arylsulfatase G; plus strand). Cytogenetic location: 17q24.2.
Variant type: single nucleotide variant.
Coding change: c.452G>A on transcript NM_001267727.2 (MANE Select); coding-DNA position 452, G replaced by A.
Protein change: p.Arg151His; replaces arginine 151 with histidine.
Molecular consequence: missense variant. On other transcripts: intron variant (1).
Genome position (GRCh38, 1-based): chr17:68,347,170, G>A. VCF-style: chr17-68347170-G-A. GRCh37 (hg19) VCF-style: chr17-66343311-G-A.
Other names: c.452G>A, p.Arg151His (NM_001352899.2, NM_001352900.2, NM_001352901.2 and 8 more transcripts); c.406+3379G>A (NM_001352909.2); c.452G>A (NM_014960.3); short protein forms R151H.
Identifiers: ClinVar variation 842762 (VCV000842762.10), dbSNP rs577190950, ClinGen allele CA8728226.

ClinVar aggregate classification (germline): Uncertain significance. Review status: criteria provided, multiple submitters, no conflicts (2 of 4 stars). 3 submissions from 3 submitters: Uncertain significance (3). Last evaluated 2024-10-25.

Allele frequency attached by ClinVar (database versions not stated): gnomAD exomes 0.00001 and 0.00004; ExAC 0.00002; TOPMed 0.00002; gnomAD 0.00003; 1000 Genomes Project 0.00020; 1000 Genomes Project 30x 0.00031.
gnomAD v4.1: 20 of 1,613,772 alleles (0.0012%); highest among the groups gnomAD compares: Admixed American, 0.022%; no homozygotes.

Submissions (3):

Labcorp Genetics (formerly Invitae), Labcorp
Classification: Uncertain significance. Last evaluated: 2024-10-25. Review status: criteria provided, single submitter. Criteria: Invitae Variant Classification Sherloc (09022015). Collection method: clinical testing. Allele origin: germline.
Comment: This sequence change replaces arginine, which is basic and polar, with histidine, which is basic and polar, at codon 151 of the ARSG protein (p.Arg151His). This variant is present in population databases (rs577190950, gnomAD 0.03%). This variant has not been reported in the literature in individuals affected with ARSG-related conditions. ClinVar contains an entry for this variant (Variation ID: 842762). An algorithm developed to predict the effect of missense changes on protein structure and function (PolyPhen-2) suggests that this variant is likely to be disruptive. In summary, the available evidence is currently insufficient to determine the role of this variant in disease. Therefore, it has been classified as a Variant of Uncertain Significance.

Ambry Genetics
Classification: Uncertain significance. Last evaluated: 2024-01-22. Review status: criteria provided, single submitter. Criteria: Ambry Variant Classification Scheme 2023. Collection method: clinical testing. Allele origin: germline.

Blueprint Genetics
Classification: Uncertain significance. Last evaluated: 2022-11-15. Review status: criteria provided, single submitter. Criteria: ACMG Guidelines, 2015. Collection method: clinical testing. Allele origin: germline.